The following is an entry in ClinVar:

NM_001083116.3(PRF1):c.665A>G (p.His222Arg)

Gene: PRF1 (perforin 1; minus strand). Cytogenetic location: 10q22.1.
Variant type: single nucleotide variant.
Coding change: c.665A>G on transcript NM_001083116.3 (MANE Select); coding-DNA position 665, A replaced by G.
Protein change: p.His222Arg; replaces histidine 222 with arginine.
Molecular consequence: missense variant.
Genome position (GRCh38, 1-based): chr10:70,599,056, T>C on the plus strand (A>G on the coding strand, the complement: PRF1 is on the minus strand). VCF-style: chr10-70599056-T-C. GRCh37 (hg19) VCF-style: chr10-72358812-T-C.
Other names: c.665A>G, p.His222Arg (NM_005041.6); short protein forms H222R.
Identifiers: ClinVar variation 3385197 (VCV003385197.1).

ClinVar aggregate classification (germline): Pathogenic (1 of 4 stars; one submission).

Conditions:
Familial hemophagocytic lymphohistiocytosis (FHL). Also called: Familial erythrophagocytic lymphohistiocytosis; Familial histiocytic reticulosis; Hereditary hemophagocytic lymphohistiocytosis. Identifiers: Orphanet 158038, Orphanet 540, MedGen C0272199, MONDO:0015541.

Submission:

Women's Health and Genetics/Laboratory Corporation of America, LabCorp
Classification: Pathogenic for Familial hemophagocytic lymphohistiocytosis. Last evaluated: 2024-10-18. Review status: criteria provided, single submitter. Criteria: LabCorp Variant Classification Summary - May 2015. Collection method: clinical testing. Allele origin: germline.
Comment: Variant summary: PRF1 c.665A>G (p.His222Arg) results in a non-conservative amino acid change located in the Membrane attack complex component/perforin (MACPF) domain (IPR020864) of the encoded protein sequence. Five of five in-silico tools predict a damaging effect of the variant on protein function. The variant was absent in 249592 control chromosomes. c.665A>G has been reported in the literature in individuals affected with Familial Hemophagocytic Lymphohistiocytosis (e.g. Yenicesu_2012, Balta_2013). These data indicate that the variant is likely to be associated with disease. At least one publication reports experimental evidence evaluating an impact on protein function (e.g. Voskoboinik_2005). The most pronounced variant effect results in greatly reduced protein expression versus WT and undetectable lytic activity. Additionally, a different variant affecting the same codon has been classified as pathogenic by our lab (c.666C>A, p.His222Gln), supporting the critical relevance of codon 222 to PRF1 protein function. The following publications have been ascertained in the context of this evaluation (PMID: 23073042, 15755897, 24744671). No submitters have cited clinical-significance assessments for this variant to ClinVar. Based on the evidence outlined above, the variant was classified as pathogenic.

Literature cited by the submitters: PubMed 15755897; PubMed 24744671; PubMed 23073042.